The following is an entry in ClinVar:

NM_006389.5(HYOU1):c.2909A>C (p.Glu970Ala)

Gene: HYOU1 (hypoxia up-regulated 1; minus strand). Cytogenetic location: 11q23.3.
Variant type: single nucleotide variant.
Coding change: c.2909A>C on transcript NM_006389.5 (MANE Select); coding-DNA position 2909, A replaced by C.
Protein change: p.Glu970Ala; replaces glutamic acid 970 with alanine.
Molecular consequence: missense variant.
Genome position (GRCh38, 1-based): chr11:119,045,810, T>G on the plus strand (A>C on the coding strand, the complement: HYOU1 is on the minus strand). VCF-style: chr11-119045810-T-G. GRCh37 (hg19) VCF-style: chr11-118916522-T-G.
Other names: c.2909A>C, p.Glu970Ala (NM_001130991.3); c.2912A>C, p.Glu971Ala (NM_001411041.1); short protein forms E970A, E971A.
Identifiers: ClinVar variation 2110598 (VCV002110598.5), dbSNP rs531266604, ClinGen allele CA229615908.

ClinVar aggregate classification (germline): Uncertain significance. Review status: criteria provided, multiple submitters, no conflicts (2 of 4 stars). 2 submissions from 2 submitters: Uncertain significance (2). Last evaluated 2022-04-08.

Allele frequency attached by ClinVar (database versions not stated): gnomAD 0.00002; 1000 Genomes Project 30x 0.00016.
gnomAD v4.1: 3 of 1,612,480 alleles (0.00019%); highest among the groups gnomAD compares: African/African-American, 0.004%; no homozygotes.

Submissions (2):

Labcorp Genetics (formerly Invitae), Labcorp
Classification: Uncertain significance. Last evaluated: 2022-04-08. Review status: criteria provided, single submitter. Criteria: Invitae Variant Classification Sherloc (09022015). Collection method: clinical testing. Allele origin: germline.
Comment: This sequence change replaces glutamic acid, which is acidic and polar, with alanine, which is neutral and non-polar, at codon 970 of the HYOU1 protein (p.Glu970Ala). This variant is present in population databases (rs531266604, gnomAD 0.008%). This variant has not been reported in the literature in individuals affected with HYOU1-related conditions. Algorithms developed to predict the effect of missense changes on protein structure and function are either unavailable or do not agree on the potential impact of this missense change (SIFT: "Not Available"; PolyPhen-2: "Benign"; Align-GVGD: "Not Available"). In summary, the available evidence is currently insufficient to determine the role of this variant in disease. Therefore, it has been classified as a Variant of Uncertain Significance.

Breakthrough Genomics
Classification: Uncertain significance. Review status: criteria provided, single submitter. Criteria: ACMG Guidelines, 2015. Collection method: not provided. Allele origin: germline. Inheritance: Autosomal recessive inheritance. Affected: yes.